The following is an entry in ClinVar:

ClinVar aggregate classification (germline): Likely benign. Review status: criteria provided, multiple submitters, no conflicts (2 of 4 stars). 2 submissions from 2 submitters: Likely benign (2). Last evaluated 2022-05-01.

Conditions:
Inborn genetic diseases. Identifiers: MedGen C0950123, MeSH D030342.

Allele frequency attached by ClinVar (database versions not stated): ESP Exome Variant Server 0.00016; TOPMed 0.00014.
gnomAD v4.1: 107 of 1,500,202 alleles (0.0071%); highest among the groups gnomAD compares: Middle Eastern, 0.039%; 1 homozygote.

Submissions (3):

CeGaT Center for Human Genetics Tuebingen
Classification: Likely benign. Last evaluated: 2022-05-01. Review status: criteria provided, single submitter. Criteria: CeGaT Center For Human Genetics Tuebingen Variant Classification Criteria Version 2. Collection method: clinical testing. Allele origin: germline. Affected: yes. Observed: 1 variant allele.
Comment: CUX1: BP4

Ambry Genetics
Classification: Likely benign for Inborn genetic diseases. Last evaluated: 2021-09-24. Review status: criteria provided, single submitter. Criteria: Ambry Variant Classification Scheme 2023. Collection method: clinical testing. Allele origin: germline.

Dr. Peter K. Rogan Lab, Western University
No classification provided (evidence only). Condition: Ovarian serous cystadenocarcinoma. Review status: no classification provided. Collection method: in vitro. Allele origin: not applicable. Functional consequence: retained intron. Not counted in ClinVar's aggregate classification.

NM_001913.5(CUX1):c.1564-5C>G

Gene: CUX1 (cut like homeobox 1; plus strand). Cytogenetic location: 7q22.1.
Variant type: single nucleotide variant.
Coding change: c.1564-5C>G on transcript NM_001913.5 (MANE Plus Clinical); 5 bases into the intron before coding-DNA position 1564, C replaced by G.
Molecular consequence: intron variant.
Genome position (GRCh38, 1-based): chr7:102,277,944, C>G. VCF-style: chr7-102277944-C-G. GRCh37 (hg19) VCF-style: chr7-101921215-C-G.
Other names: NC_000007.13:g.101921215C>G; c.1558-5C>G (NM_181500.4); c.1426-5C>G (NM_001202545.3); c.1516-5C>G (NM_001202544.3); c.1447-5C>G (NM_001202546.3).
Identifiers: ClinVar variation 1695205 (VCV001695205.32), dbSNP rs371475257, ClinGen allele CA4411717.